The following is an entry in ClinVar:

NM_001457.4(FLNB):c.6420G>T (p.Val2140=)

Gene: FLNB (filamin B; plus strand). Cytogenetic location: 3p14.3.
Variant type: single nucleotide variant.
Coding change: c.6420G>T on transcript NM_001457.4 (MANE Select); coding-DNA position 6420, G replaced by T.
Protein change: p.Val2140=; no amino-acid change (valine 2140 retained).
Molecular consequence: synonymous variant.
Genome position (GRCh38, 1-based): chr3:58,153,427, G>T. VCF-style: chr3-58153427-G-T. GRCh37 (hg19) VCF-style: chr3-58139154-G-T.
Other names: c.6513G>T, p.Val2171= (NM_001164317.2); c.6387G>T, p.Val2129= (NM_001164318.2); c.6348G>T, p.Val2116= (NM_001164319.2).
Identifiers: ClinVar variation 3031485 (VCV003031485.4), dbSNP rs781407064, ClinGen allele CA2469399.

ClinVar aggregate classification (germline): Likely benign. Review status: criteria provided, single submitter (1 of 4 stars). 2 submissions from 2 submitters: Likely benign (1). 1 of the submissions does not count toward it. Last evaluated 2024-06-30.

Conditions:
FLNB-related disorder. Also called: FLNB-related condition; FLNB-related disorders. Identifiers: MedGen CN381095.

Allele frequency attached by ClinVar (database versions not stated): gnomAD exomes below 0.00001; ExAC 0.00001.
gnomAD v4.1: 8 of 1,614,238 alleles (0.0005%); highest among the groups gnomAD compares: South Asian, 0.0066%; no homozygotes.

Submissions (2):

Labcorp Genetics (formerly Invitae), Labcorp
Classification: Likely benign. Last evaluated: 2024-06-30. Review status: criteria provided, single submitter. Criteria: Invitae Variant Classification Sherloc (09022015). Collection method: clinical testing. Allele origin: germline.

PreventionGenetics, part of Exact Sciences
Classification: Likely benign for FLNB-related condition. Last evaluated: 2022-01-17. Review status: no assertion criteria provided. Collection method: clinical testing. Allele origin: germline. Not counted in ClinVar's aggregate classification.
Comment: This variant is classified as likely benign based on ACMG/AMP sequence variant interpretation guidelines (Richards et al. 2015 PMID: 25741868, with internal and published modifications).